The following is an entry in ClinVar:

ClinVar aggregate classification (germline): Likely benign (1 of 4 stars; one submission).

Submission:

GeneDx
Classification: Likely benign. Last evaluated: 2018-04-09. Review status: criteria provided, single submitter. Criteria: GeneDx Variant Classification (06012015). Collection method: clinical testing. Allele origin: germline. Affected: yes.
Comment: This variant is considered likely benign or benign based on one or more of the following criteria: it is a conservative change, it occurs at a poorly conserved position in the protein, it is predicted to be benign by multiple in silico algorithms, and/or has population frequency not consistent with disease.

NM_001958.5(EEF1A2):c.-72+17_-72+18delinsA

Gene: EEF1A2 (eukaryotic translation elongation factor 1 alpha 2; minus strand). Cytogenetic location: 20q13.33.
Variant type: Indel.
Coding change: c.-72+17_-72+18delinsA on transcript NM_001958.5 (MANE Select); bases 17 to 18 of the intron after 72 bases upstream of the start codon, CC replaced by A.
Molecular consequence: intron variant.
Genome position (GRCh38, 1-based): chr20:63,499,040-63,499,041, GG replaced by T on the plus strand (CC replaced by A on the coding strand, the reverse complement: EEF1A2 is on the minus strand). VCF-style: chr20-63499040-GG-T. GRCh37 (hg19) VCF-style: chr20-62130393-GG-T.
Identifiers: ClinVar variation 681575 (VCV000681575.1), dbSNP rs1600910789, ClinGen allele CA915953115.
Genomic context (GRCh38, chr20:63,499,040, plus strand): 5'-CCCCCCAGGACCGGCCCCGGGGGTCCCTCTTCGGAAGACGGGGGCGGGGGCGGAGGCCCG[GG>T]GGCCGAGCGTCCTTACCCGGAGCCGAGGTCTCAGCCAGAGGGACTGGCGGCGCCGGCGCC-3'